The following is an entry in ClinVar:

ClinVar aggregate classification (germline): Pathogenic/Likely pathogenic. Review status: criteria provided, multiple submitters, no conflicts (2 of 4 stars). 8 submissions from 8 submitters: Pathogenic (7); Likely pathogenic (1). Last evaluated 2026-08-19.

Conditions:
Rare genetic deafness. Identifiers: Orphanet 96210, MedGen C5680250.
OTOG-related disorder. Also called: OTOG-related condition.
Autosomal recessive nonsyndromic hearing loss 18B. Also called: Deafness, autosomal recessive 18b. Identifiers: Orphanet 90636, MedGen C3554163, MONDO:0013985, OMIM 614945.

Allele frequency attached by ClinVar (database versions not stated): gnomAD 0.00007 and 0.00011; TOPMed 0.00008; ExAC 0.00096; gnomAD exomes 0.00012 and 0.00024; 1000 Genomes Project 30x 0.00016.

Submissions (8):

PreventionGenetics, part of Exact Sciences
Classification: Pathogenic for OTOG-related condition. Last evaluated: 2026-08-19. Review status: criteria provided, single submitter. Criteria: ACMG Guidelines, 2015. Collection method: clinical testing. Allele origin: germline.
Comment: The OTOG c.7454delG variant is predicted to result in a frameshift and premature protein termination (p.Arg2485Hisfs*77). This variant was reported in the homozygous and compound heterozygous state along with a nonsense variant in three patients with sensorineural hearing loss (Table S1, van Beeck Calkoen et al. 2019. PubMed ID: 31152317; Downie et al. 2019. PubMed ID: 31827275; Bahena et al. 2021. PubMed ID: 34148116). This variant is reported in 0.14% of alleles in individuals of South Asian descent in gnomAD. Frameshift variants in OTOG are expected to be pathogenic. This variant is interpreted as pathogenic.

3billion
Classification: Pathogenic for Autosomal recessive nonsyndromic hearing loss 18B. Last evaluated: 2025-07-19. Review status: criteria provided, single submitter. Criteria: ACMG Guidelines, 2015. Collection method: clinical testing. Allele origin: germline. Affected: yes.
Comment: The variant is observed at an extremely low frequency in the gnomAD v4.1.0 dataset (total allele frequency: 0.012%). Predicted Consequence/Location: Frameshift: predicted to result in a loss or disruption of normal protein function through nonsense-mediated decay (NMD) or protein truncation. Multiple pathogenic variants are reported downstream of the variant. The variant has been reported at least twice as pathogenic with clinical assertions and evidence for the classification (ClinVar ID: VCV000869476 /PMID: 31152317). Therefore, this variant is classified as Pathogenic according to the recommendation of ACMG/AMP guideline.

GeneDx
Classification: Pathogenic. Last evaluated: 2025-02-28. Review status: criteria provided, single submitter. Criteria: GeneDx Variant Classification Process June 2021. Collection method: clinical testing. Allele origin: germline. Affected: yes.
Comment: Frameshift variant predicted to result in protein truncation or nonsense mediated decay in a gene for which loss of function is a known mechanism of disease; This variant is associated with the following publications: (PMID: 34148116, 31152317, 23122587, 31827275, 38894825)

Labcorp Genetics (formerly Invitae), Labcorp
Classification: Pathogenic. Last evaluated: 2024-12-13. Review status: criteria provided, single submitter. Criteria: Invitae Variant Classification Sherloc (09022015). Collection method: clinical testing. Allele origin: germline.
Comment: This sequence change creates a premature translational stop signal (p.Arg2485Hisfs*77) in the OTOG gene. It is expected to result in an absent or disrupted protein product. Loss-of-function variants in OTOG are known to be pathogenic (PMID: 23122587). This variant is present in population databases (rs751369871, gnomAD 0.1%). This premature translational stop signal has been observed in individual(s) with sensorineural hearing loss (PMID: 31152317). ClinVar contains an entry for this variant (Variation ID: 869476). For these reasons, this variant has been classified as Pathogenic.

Laboratory for Molecular Medicine, Mass General Brigham Personalized Medicine
Classification: Pathogenic for Rare genetic deafness. Last evaluated: 2022-06-30. Review status: criteria provided, single submitter. Criteria: ACMG Guidelines, 2015. Collection method: clinical testing. Allele origin: germline.
Comment: The p.Arg2485HisfsX77 variant in OTOG has been reported in 2 individuals with hearing loss, one of whom was compound heterozygous with a second causative variant and the other was homozygous for this variant (van Beeck Calkoen 2019 PMID: 31152317, Downie 2020 PMID: 31827275). It has also been identified in 0.14% (7/4826) South Asian chromosomes by gnomAD. This variant is predicted to cause a frameshift, which alters the protein’s amino acid sequence beginning at position 2485 and leads to a premature termination codon 77 amino acids downstream. Loss of function variants in the OTOG is an established disease mechanism in autosomal recessive nonsyndromic hearing loss. . In summary, this variant meets criteria to be classified as pathogenic for autosomal recessive nonsyndromic hearing loss. ACMG/AMP criteria applied: PVS1, PM3.

Blueprint Genetics
Classification: Pathogenic for OTOG-related disorders. Last evaluated: 2022-06-01. Review status: criteria provided, single submitter. Criteria: ACMG Guidelines, 2015. Collection method: clinical testing. Allele origin: germline. Affected: yes. Observed: 5 variant alleles.

AiLife Diagnostics
Classification: Pathogenic. Last evaluated: 2021-11-22. Review status: criteria provided, single submitter. Criteria: ACMG Guidelines, 2015. Collection method: clinical testing. Allele origin: germline. Affected: yes. Observed: 1 variant allele.

Victorian Clinical Genetics Services, Murdoch Childrens Research Institute
Classification: Likely pathogenic for Autosomal recessive nonsyndromic hearing loss 18B. Last evaluated: 2018-07-18. Review status: criteria provided, single submitter. Criteria: ACMG Guidelines, 2015. Collection method: clinical testing. Allele origin: unknown. Affected: yes.
Comment: A homozygous frameshift deletion variant, NM_001277269.1(OTOG):c.7454delG, has been identified in exon 43 of 55 of the OTOG gene. This deletion is predicted to create a frameshift starting at amino acid position 2485, introducing a stop codon 77 residues downstream (NP_001264198.1(OTOG):p.(Arg2485Hisfs*77)). This variant is predicted to result in loss of protein function through nonsense-mediated decay, which is a reported mechanism of pathogenicity for this gene. However, truncation of the protein as a result of a NMD-escape mechanism has not been excluded. The variant is present in the gnomAD database at a frequency of 0.02% (36 heterozygotes). This variant has not been previously reported in clinical cases. However, multiple variants resulting in a premature stop-codon upstream of this variant have been previously reported as pathogenic in individuals with autosomal recessive deafness (Yu, S. et al. (2018), Schraders, M. et al. (2012), ClinVar, HGMD). Based on the information available at the time of curation, this variant has been classified as LIKELY PATHOGENIC.

Literature cited by the submitters: PubMed 31152317 (cited by 3 submitters); PubMed 23122587 (cited by Labcorp Genetics (formerly Invitae), Labcorp); PubMed 31827275 (cited by AiLife Diagnostics).

NM_001292063.2(OTOG):c.7418del (p.Arg2473fs)

Gene: OTOG (otogelin; plus strand). Cytogenetic location: 11p15.1.
Variant type: Deletion.
Coding change: c.7418del on transcript NM_001292063.2 (MANE Select); coding-DNA position 7418, one base deleted (G; older notation c.7418delG).
Protein change: p.Arg2473fs; shifts the reading frame from arginine 2473.
Molecular consequence: frameshift variant.
Genome position (GRCh38, 1-based): chr11:17,634,219, G deleted. VCF-style (leftmost placement, unchanged base first): chr11-17634218-CG-C. GRCh37 (hg19) VCF-style: chr11-17655765-CG-C.
Other names: c.7454del (NM_001277269.1); c.7454del, p.Arg2485fs (NM_001277269.2); c.7454delG (NM_001277269.1); short protein forms R2485fs, R2473fs.
Identifiers: ClinVar variation 869476 (VCV000869476.14), dbSNP rs751369871, ClinGen allele CA5906128.
Genomic context (GRCh38, chr11:17,634,218, plus strand): 5'-CCAGACACCATTGTCCCGGTGGATCTGGGCTGCCCCAGTCCCCGCCCTGAGAGCTGCCTG[CG>C]ATTCGGGGAGGTGGCCTTGCTCCTACCCACCAAGGACCCCTGCTGCCTGGGGACTGTCTG-3'